The following is an entry in ClinVar:

ClinVar aggregate classification (germline): Benign/Likely benign. Review status: criteria provided, multiple submitters, no conflicts (2 of 4 stars). 4 submissions from 4 submitters: Benign (2); Likely benign (2). Last evaluated 2026-05-01.

Conditions:
Treacher Collins syndrome 1 (TCS1). Also called: TCOF1-Related Treacher Collins Syndrome. Identifiers: Orphanet 861, MedGen CN315775, MONDO:0007944, OMIM 154500.

Allele frequency attached by ClinVar (database versions not stated): 1000 Genomes Project 0.00100; gnomAD 0.00104 and 0.00110; 1000 Genomes Project 30x 0.00109; ESP Exome Variant Server 0.00131; TOPMed 0.00143; gnomAD exomes 0.00157 and 0.00168.
gnomAD v4.1: 2,600 of 1,588,066 alleles (0.16%); highest among the groups gnomAD compares: Middle Eastern, 1%; 8 homozygotes.

Submissions (4):

CeGaT Center for Human Genetics Tuebingen
Classification: Likely benign. Last evaluated: 2026-05-01. Review status: criteria provided, single submitter. Criteria: CeGaT Center For Human Genetics Tuebingen Variant Classification Criteria Version 2. Collection method: clinical testing. Allele origin: germline. Affected: yes. Observed: 2 variant alleles.
Comment: TCOF1: BP4, BP7, BS1

Labcorp Genetics (formerly Invitae), Labcorp
Classification: Benign for Treacher Collins syndrome 1. Last evaluated: 2026-01-11. Review status: criteria provided, single submitter. Criteria: Invitae Variant Classification Sherloc (09022015). Collection method: clinical testing. Allele origin: germline.

Blueprint Genetics
Classification: Likely benign. Last evaluated: 2024-11-25. Review status: criteria provided, single submitter. Criteria: ACMG Guidelines, 2015. Collection method: clinical testing. Allele origin: germline.

GeneDx
Classification: Benign. Last evaluated: 2019-04-09. Review status: criteria provided, single submitter. Criteria: GeneDx Variant Classification Process June 2021. Collection method: clinical testing. Allele origin: germline. Affected: yes.

NM_001371623.1(TCOF1):c.999G>A (p.Gly333=)

Gene: TCOF1 (treacle ribosome biogenesis factor 1; plus strand). Cytogenetic location: 5q32.
Variant type: single nucleotide variant.
Coding change: c.999G>A on transcript NM_001371623.1 (MANE Select); coding-DNA position 999, G replaced by A.
Protein change: p.Gly333=; no amino-acid change (glycine 333 retained).
Molecular consequence: synonymous variant.
Genome position (GRCh38, 1-based): chr5:150,374,302, G>A. VCF-style: chr5-150374302-G-A. GRCh37 (hg19) VCF-style: chr5-149753865-G-A.
Other names: c.768G>A, p.Gly256= (NM_000356.4, NM_001135245.2); c.999G>A, p.Gly333= (NM_001008657.3, NM_001135243.2, NM_001135244.2 and 1 more transcripts).
Identifiers: ClinVar variation 352198 (VCV000352198.28), dbSNP rs55918703, ClinGen allele CA3510712.